The following is an entry in ClinVar:

NM_004973.4(JARID2):c.2983_2989dup (p.Val997fs)

Gene: JARID2 (jumonji and AT-rich interaction domain containing 2; plus strand). Cytogenetic location: 6p22.3.
Variant type: Duplication.
Coding change: c.2983_2989dup on transcript NM_004973.4 (MANE Select); coding-DNA positions 2983 to 2989, 7 bases duplicated (ATCAAGG; older notation c.2983_2989dupATCAAGG).
Protein change: p.Val997fs; shifts the reading frame from valine 997.
Molecular consequence: frameshift variant.
Genome position (GRCh38, 1-based): chr6:15,512,238-15,512,244, ATCAAGG duplicated; duplicating any 7 consecutive bases within chr6:15,512,236-15,512,244 gives the same sequence; the c. name uses the placement nearest the transcript's 3' end. VCF-style (leftmost placement, unchanged base first): chr6-15512235-G-GGGATCAA. GRCh37 (hg19) VCF-style: chr6-15512466-G-GGGATCAA.
Other names: c.2467_2473dup, p.Val825fs (NM_001267040.1); short protein forms V825fs, V997fs.
Identifiers: ClinVar variation 3375479 (VCV003375479.2).
Genomic context (GRCh38, chr6:15,512,235, plus strand): 5'-GAGGGGTGCCTCAGCCTGGCCCTGTCTCCCCAGATCTCCCCGGAGGTGCTGTGCAAAGAG[G>GGGATCAA]GGATCAAGGTGCACAGGACCGTGCAGCAGAGTGGCCAGTTTGTCGTCTGCTTCCCGGGAT-3'

ClinVar aggregate classification (germline): Pathogenic (1 of 4 stars; one submission).

Conditions:
Developmental delay with variable intellectual disability and dysmorphic facies. Identifiers: MedGen C5774242, MONDO:0859306, OMIM 620098.

Submission:

Equipe Genetique des Anomalies du Developpement, Université de Bourgogne
Classification: Pathogenic for Developmental delay with variable intellectual disability and dysmorphic facies. Last evaluated: 2024-01-24. Review status: criteria provided, single submitter. Criteria: ACMG Guidelines, 2015. Collection method: clinical testing. Allele origin: de novo. Affected: yes.
Comment: This duplication resulting in a reading frame shift is predicted to lead to the appearance of a premature stop codon. It was found in a heterozygous state. Monoallelic pathogenic variations in the JARID2 gene are responsible for a neurodevelopmental delay associated with an intellectual disability and particular morphological features (OMIM #620098). Variants resulting in a premature stop codon in this gene have been previously reported in literature (PMID 33077894). This variant is absent from gnomAD (v 4.1.0). Based on the available evidence, this variant is classified as pathogenic according to ACMG criteria.

Literature cited by the submitters: PubMed 33077894.